The following is an entry in ClinVar:

ClinVar aggregate classification (germline): Likely benign. Review status: criteria provided, multiple submitters, no conflicts (2 of 4 stars). 2 submissions from 2 submitters: Likely benign (2). Last evaluated 2024-08-28.

Conditions:
Dilated cardiomyopathy 1G (CMD1G). Identifiers: Orphanet 154, MedGen C1858763, MONDO:0011400, OMIM 604145.
Autosomal recessive limb-girdle muscular dystrophy type 2J (LGMDR10). Also called: MUSCULAR DYSTROPHY, LIMB-GIRDLE, AUTOSOMAL RECESSIVE 10; Limb-girdle muscular dystrophy, type 2J. Identifiers: Orphanet 140922, MedGen C1837342, MONDO:0012127, OMIM 608807.

Submissions (2):

Labcorp Genetics (formerly Invitae), Labcorp
Classification: Likely benign for Dilated cardiomyopathy 1G; Autosomal recessive limb-girdle muscular dystrophy type 2J. Last evaluated: 2024-08-28. Review status: criteria provided, single submitter. Criteria: Invitae Variant Classification Sherloc (09022015). Collection method: clinical testing. Allele origin: germline.

CeGaT Center for Human Genetics Tuebingen
Classification: Likely benign. Last evaluated: 2022-07-01. Review status: criteria provided, single submitter. Criteria: CeGaT Center For Human Genetics Tuebingen Variant Classification Criteria Version 2. Collection method: clinical testing. Allele origin: germline. Affected: yes. Observed: 1 variant allele.
Comment: TTN: PM2:Supporting, BP4, BP7

NM_001267550.2(TTN):c.107883A>G (p.Val35961=)

Genes: TTN (titin; minus strand), TTN-AS1 (TTN antisense RNA 1; plus strand). Cytogenetic location: 2q31.2.
Variant type: single nucleotide variant.
Coding change: c.107883A>G on transcript NM_001267550.2 (MANE Select); coding-DNA position 107883, A replaced by G.
Protein change: p.Val35961=; no amino-acid change (valine 35961 retained).
Molecular consequence: synonymous variant.
Genome position (GRCh38, 1-based): chr2:178,527,105, T>C on the plus strand (A>G on the coding strand, the complement: TTN is on the minus strand). VCF-style: chr2-178527105-T-C. GRCh37 (hg19) VCF-style: chr2-179391832-T-C.
Other names: c.102960A>G, p.Val34320= (NM_001256850.1); c.80688A>G, p.Val26896= (NM_003319.4); c.100179A>G, p.Val33393= (NM_133378.4); c.81063A>G, p.Val27021= (NM_133432.3); c.81264A>G, p.Val27088= (NM_133437.4).
Identifiers: ClinVar variation 1711511 (VCV001711511.32), dbSNP rs2468223913, ClinGen allele CA430091706.